The following is an entry in ClinVar:

NM_000419.5(ITGA2B):c.2377G>A (p.Ala793Thr)

Gene: ITGA2B (integrin subunit alpha 2b; minus strand). Cytogenetic location: 17q21.31.
Variant type: single nucleotide variant.
Coding change: c.2377G>A on transcript NM_000419.5 (MANE Select); coding-DNA position 2377, G replaced by A.
Protein change: p.Ala793Thr; replaces alanine 793 with threonine.
Molecular consequence: missense variant.
Genome position (GRCh38, 1-based): chr17:44,376,156, C>T on the plus strand (G>A on the coding strand, the complement: ITGA2B is on the minus strand). VCF-style: chr17-44376156-C-T. GRCh37 (hg19) VCF-style: chr17-42453524-C-T.
Other names: short protein forms A793T.
Identifiers: ClinVar variation 2885159 (VCV002885159.4), dbSNP rs965694079, ClinGen allele CA290947386.
Genomic context (GRCh38, chr17:44,376,156, plus strand): 5'-GCTCCACTTTGGGTCCCCAGCTGTCCAAGCTGTTCTGCTCCCTCTCACCTTCTTCTGCTG[C>T]CACCACCAGGGAGGCTGGAAAGGAGTTCCTGCAGGTGCCCAAGACCCCCAGAGAGAGTGT-3'
Protein context (NP_000410.2, residues 783-803): GNSFPASLVV[Ala793Thr]AEEGEREQNS

ClinVar aggregate classification (germline): Uncertain significance. Review status: criteria provided, multiple submitters, no conflicts (2 of 4 stars). 2 submissions from 2 submitters: Uncertain significance (2). Last evaluated 2025-12-10.

Conditions:
Inborn genetic diseases. Identifiers: MedGen C0950123, MeSH D030342.
Glanzmann thrombasthenia. Also called: Glanzmann's thrombasthenia; BLEEDING DISORDER, PLATELET-TYPE, 2; THROMBASTHENIA OF GLANZMANN AND NAEGELI; Thrombasthenia; PLATELET GLYCOPROTEIN IIb-IIIa DEFICIENCY. Identifiers: Orphanet 849, MedGen C0040015, MONDO:0100326.

Allele frequency attached by ClinVar (database versions not stated): gnomAD 0.00001; TOPMed 0.00001; gnomAD exomes 0.00002.
gnomAD v4.1: 36 of 1,614,084 alleles (0.0022%); highest among the groups gnomAD compares: Non-Finnish European, 0.0029%; no homozygotes.

Submissions (2):

Ambry Genetics
Classification: Uncertain significance for Inborn genetic diseases. Last evaluated: 2025-12-10. Review status: criteria provided, single submitter. Criteria: Ambry Variant Classification Scheme 2023. Collection method: clinical testing. Allele origin: germline.

Labcorp Genetics (formerly Invitae), Labcorp
Classification: Uncertain significance for Glanzmann thrombasthenia. Last evaluated: 2025-03-06. Review status: criteria provided, single submitter. Criteria: Invitae Variant Classification Sherloc (09022015). Collection method: clinical testing. Allele origin: germline.
Comment: This sequence change replaces alanine, which is neutral and non-polar, with threonine, which is neutral and polar, at codon 793 of the ITGA2B protein (p.Ala793Thr). This variant is not present in population databases (gnomAD no frequency). This variant has not been reported in the literature in individuals affected with ITGA2B-related conditions. ClinVar contains an entry for this variant (Variation ID: 2885159). Invitae Evidence Modeling of protein sequence and biophysical properties (such as structural, functional, and spatial information, amino acid conservation, physicochemical variation, residue mobility, and thermodynamic stability) has been performed for this missense variant. However, the output from this modeling did not meet the statistical confidence thresholds required to predict the impact of this variant on ITGA2B protein function. In summary, the available evidence is currently insufficient to determine the role of this variant in disease. Therefore, it has been classified as a Variant of Uncertain Significance.